The following is an entry in ClinVar:

NM_017617.5(NOTCH1):c.1196C>T (p.Thr399Ile)

Gene: NOTCH1 (notch receptor 1; minus strand). Cytogenetic location: 9q34.3.
Variant type: single nucleotide variant.
Coding change: c.1196C>T on transcript NM_017617.5 (MANE Select); coding-DNA position 1196, C replaced by T.
Protein change: p.Thr399Ile; replaces threonine 399 with isoleucine.
Molecular consequence: missense variant.
Genome position (GRCh38, 1-based): chr9:136,518,196, G>A on the plus strand (C>T on the coding strand, the complement: NOTCH1 is on the minus strand). VCF-style: chr9-136518196-G-A. GRCh37 (hg19) VCF-style: chr9-139412648-G-A.
Other names: short protein forms T399I.
Identifiers: ClinVar variation 4085265 (VCV004085265.8).

ClinVar aggregate classification (germline): Uncertain significance (1 of 4 stars; one submission).

Submission:

CeGaT Center for Human Genetics Tuebingen
Classification: Uncertain significance. Last evaluated: 2025-07-01. Review status: criteria provided, single submitter. Criteria: CeGaT Center For Human Genetics Tuebingen Variant Classification Criteria Version 2. Collection method: clinical testing. Allele origin: germline. Affected: yes. Observed: 1 variant allele.
Comment: NOTCH1: PM2